The following is an entry in ClinVar:

NM_014738.6(TMEM94):c.3999-2A>G

Gene: TMEM94 (transmembrane protein 94; plus strand). Cytogenetic location: 17q25.1.
Variant type: single nucleotide variant.
Coding change: c.3999-2A>G on transcript NM_014738.6 (MANE Select); the canonical splice acceptor site of the intron before coding-DNA position 3999, A replaced by G.
Molecular consequence: splice acceptor variant.
Genome position (GRCh38, 1-based): chr17:75,499,260, A>G. VCF-style: chr17-75499260-A-G. GRCh37 (hg19) VCF-style: chr17-73495341-A-G.
Other names: c.3999-2A>G (NM_001438841.1); c.4041-2A>G (NM_001438842.1, NM_001438843.1); c.4011-2A>G (NM_001321149.2); c.4008-2A>G (NM_001438845.1); c.3912-2A>G (NM_001438848.1); c.4029-2A>G (NM_001438844.1, NM_001321148.2); c.3921-2A>G (NM_001438847.1); c.3951-2A>G (NM_001351202.2); and 2 more.
Identifiers: ClinVar variation 4687242 (VCV004687242.1).
Genomic context (GRCh38, chr17:75,499,260, plus strand): 5'-CTGCCCCGGCCCCTGGTCTAAGGATCTTTGCCAACCTGTACTTTAATCTCCTGCCCCACC[A>G]GGGTCCGAGTCCGCTACCAGAAGCGACAGAAGCTGCAGTTTGAAACTAAGCTGGGCATGA-3'

ClinVar aggregate classification (germline): Uncertain significance (1 of 4 stars; one submission).

Submission:

Women's Health and Genetics/Laboratory Corporation of America, LabCorp
Classification: Uncertain significance. Last evaluated: 2025-10-16. Review status: criteria provided, single submitter. Criteria: LabCorp Variant Classification Summary - May 2015. Collection method: clinical testing. Allele origin: germline.
Comment: Variant summary: TMEM94 c.3999-2A>G is located in a canonical splice-site and is predicted to affect mRNA splicing resulting in a significantly altered protein due to either exon skipping, shortening, or inclusion of intronic material. Variants that disrupt the consensus splice site are a relatively common cause of aberrant splicing and loss of TMEM94 function. Several computational tools predict a significant impact on normal splicing: Four predict the variant abolishes a 3' acceptor site. However, these predictions have yet to be confirmed by functional studies. This variant is located in the last intron and therefore, is predicted to escape nonsense mediated decay (NMD). The variant was absent in 250942 control chromosomes. The available data on variant occurrences in the general population are insufficient to allow any conclusion about variant significance. To our knowledge, no occurrence of c.3999-2A>G in individuals affected with TMEM94-related conditions and no experimental evidence demonstrating its impact on protein function have been reported. No submitters have cited clinical-significance assessments for this variant to ClinVar. Based on the evidence outlined above, the variant was classified as uncertain significance.